The following is an entry in ClinVar:

NM_174936.4(PCSK9):c.627C>T (p.Pro209=)

Gene: PCSK9 (proprotein convertase subtilisin/kexin type 9; plus strand). Cytogenetic location: 1p32.3.
Variant type: single nucleotide variant.
Coding change: c.627C>T on transcript NM_174936.4 (MANE Select); coding-DNA position 627, C replaced by T.
Protein change: p.Pro209=; no amino-acid change (proline 209 retained).
Molecular consequence: synonymous variant. On other transcripts: non-coding transcript variant (8).
Genome position (GRCh38, 1-based): chr1:55,052,381, C>T. VCF-style: chr1-55052381-C-T. GRCh37 (hg19) VCF-style: chr1-55518054-C-T.
Other names: c.750C>T, p.Pro250= (NM_001407240.1); c.627C>T, p.Pro209= (NM_001407241.1, NM_001407242.1, NM_001407244.1 and 1 more transcripts); c.570C>T, p.Pro190= (NM_001407243.1); c.435C>T, p.Pro145= (NM_001407245.1); c.252C>T, p.Pro84= (NM_001407246.1).
Identifiers: ClinVar variation 297695 (VCV000297695.23), dbSNP rs375892354, ClinGen allele CA043477.

ClinVar aggregate classification (germline): Benign/Likely benign. Review status: criteria provided, multiple submitters, no conflicts (2 of 4 stars). 7 submissions from 7 submitters: Benign (1); Likely benign (6). Last evaluated 2025-12-19.

Conditions:
Cardiovascular phenotype. Identifiers: MedGen CN230736.
Hypercholesterolemia, autosomal dominant, 3 (FHCL3). Also called: Familial Hypercholesterolemia, Autosomal Dominant, 3; PCSK9-Related Familial Hypercholesterolemia, Autosomal Dominant; Familial hypercholesterolemia 3. Identifiers: MedGen C1863551, MONDO:0011369, OMIM 603776.
Familial hypercholesterolemia. Also called: Familial hypercholesterolemias; Familial hypercholesterolaemia. Identifiers: MedGen C0020445, MONDO:0005439.

Allele frequency attached by ClinVar (database versions not stated): TOPMed 0.00003; gnomAD 0.00004 and 0.00005; gnomAD exomes 0.00004; ExAC 0.00007; 1000 Genomes Project 30x 0.00016; 1000 Genomes Project 0.00020.

Submissions (7):

Women's Health and Genetics/Laboratory Corporation of America, LabCorp
Classification: Benign. Last evaluated: 2025-12-19. Review status: criteria provided, single submitter. Criteria: LabCorp Variant Classification Summary - May 2015. Collection method: clinical testing. Allele origin: germline.

Labcorp Genetics (formerly Invitae), Labcorp
Classification: Likely benign for Hypercholesterolemia, autosomal dominant, 3. Last evaluated: 2025-09-17. Review status: criteria provided, single submitter. Criteria: Invitae Variant Classification Sherloc (09022015). Collection method: clinical testing. Allele origin: germline.

Blueprint Genetics
Classification: Likely benign. Last evaluated: 2024-09-18. Review status: criteria provided, single submitter. Criteria: ACMG Guidelines, 2015. Collection method: clinical testing. Allele origin: germline.

All of Us Research Program, National Institutes of Health
Classification: Likely benign for Hypercholesterolemia, autosomal dominant, 3. Last evaluated: 2023-11-30. Review status: criteria provided, single submitter. Criteria: ACMG Guidelines, 2015. Collection method: clinical testing. Allele origin: germline. Inheritance: Autosomal dominant inheritance. Observed: 9 variant alleles, 9 heterozygotes.
Comment: This study involves interpretation of variants in research participants for the purpose of population health screening. Participant phenotype was not available at the time of variant classification. Additional details can be found in publication PMID: 35346344, PMCID: PMC8962531

Phosphorus, Inc.
Classification: Likely benign. Last evaluated: 2022-01-18. Review status: criteria provided, single submitter. Criteria: ACMG Guidelines, 2015. Collection method: clinical testing. Allele origin: germline. Inheritance: Autosomal dominant inheritance.
Comment: This synonymous variant has an entry in ClinVar (297695) NM_174936.4 (PCSK9): c.627C>T (p.Pro209=) and has occurred in GnomAD with a total MAF of 0.0041% and highest MAF of 0.0348% in the East Asian population. This position is not conserved. In silico splicing algorithm was unavailable, however it is not predicted to impact splicing due to its distance from the splice site. No functional studies were performed to confirm this prediction. The variant has not occurred in literature associated with disease. Considering the above evidence, this variant has been classified as Likely Benign.

Ambry Genetics
Classification: Likely benign for Cardiovascular phenotype. Last evaluated: 2020-10-29. Review status: criteria provided, single submitter. Criteria: Ambry Variant Classification Scheme 2023. Collection method: clinical testing. Allele origin: germline.

Color Diagnostics, LLC DBA Color Health
Classification: Likely benign for Familial hypercholesterolemia. Last evaluated: 2018-07-16. Review status: criteria provided, single submitter. Criteria: ACMG Guidelines, 2015. Collection method: clinical testing. Allele origin: germline.